The following is an entry in ClinVar:

NM_001291746.2(REL):c.88C>T (p.Arg30Ter)

Gene: REL (REL proto-oncogene, NF-kB subunit; plus strand). Cytogenetic location: 2p16.1.
Variant type: single nucleotide variant.
Coding change: c.88C>T on transcript NM_001291746.2 (MANE Select); coding-DNA position 88, C replaced by T.
Protein change: p.Arg30Ter; replaces arginine 30 with a stop codon.
Molecular consequence: nonsense.
Genome position (GRCh38, 1-based): chr2:60,891,760, C>T. VCF-style: chr2-60891760-C-T. GRCh37 (hg19) VCF-style: chr2-61118895-C-T.
Other names: c.88C>T, p.Arg30Ter (NM_001438025.1, NM_002908.4); short protein forms R30*.
Identifiers: ClinVar variation 4736334 (VCV004736334.1).
Genomic context (GRCh38, chr2:60,891,760, plus strand): 5'-ATAGAGATAATTGAACAACCCAGGCAGAGGGGAATGCGTTTTAGATACAAATGTGAAGGG[C>T]GATCAGCAGGCAGCATTCCAGGGGAGCACAGCACAGACAACAACCGAACATACCCTTCTA-3'

ClinVar aggregate classification (germline): Pathogenic (1 of 4 stars; one submission).

Submission:

Labcorp Genetics (formerly Invitae), Labcorp
Classification: Pathogenic. Last evaluated: 2026-01-27. Review status: criteria provided, single submitter. Criteria: Invitae Variant Classification Sherloc (09022015). Collection method: clinical testing. Allele origin: germline.
Comment: This sequence change creates a premature translational stop signal (p.Arg30*) in the REL gene. It is expected to result in an absent or disrupted protein product. Loss-of-function variants in REL are known to be pathogenic (PMID: 31103457, 34623332). This variant is not present in population databases (gnomAD no frequency). This variant has not been reported in the literature in individuals affected with REL-related conditions. For these reasons, this variant has been classified as Pathogenic.

Literature cited by the submitters: PubMed 31103457; PubMed 34623332.